The following is an entry in ClinVar:

NM_006005.3(WFS1):c.596A>G (p.Glu199Gly)

Gene: WFS1 (wolframin ER transmembrane glycoprotein; plus strand). Cytogenetic location: 4p16.1.
Variant type: single nucleotide variant.
Coding change: c.596A>G on transcript NM_006005.3 (MANE Select); coding-DNA position 596, A replaced by G.
Protein change: p.Glu199Gly; replaces glutamic acid 199 with glycine.
Molecular consequence: missense variant.
Genome position (GRCh38, 1-based): chr4:6,291,332, A>G. VCF-style: chr4-6291332-A-G. GRCh37 (hg19) VCF-style: chr4-6293059-A-G.
Other names: c.596A>G, p.Glu199Gly (NM_001145853.1); short protein forms E199G.
Identifiers: ClinVar variation 2631626 (VCV002631626.1), dbSNP rs2474174481, ClinGen allele CA356172113.

ClinVar aggregate classification (germline): Uncertain significance (1 of 4 stars; one submission).

Conditions:
WFS1-related disorder. Identifiers: MedGen CN379391, MONDO:0700293.

Submission:

PreventionGenetics, part of Exact Sciences
Classification: Uncertain significance for WFS1-related condition. Last evaluated: 2023-07-18. Review status: criteria provided, single submitter. Criteria: ACMG Guidelines, 2015. Collection method: clinical testing. Allele origin: germline.
Comment: The WFS1 c.596A>G variant is predicted to result in the amino acid substitution p.Glu199Gly. To our knowledge, this variant has not been reported in the literature or in a large population database, indicating this variant is rare. At this time, the clinical significance of this variant is uncertain due to the absence of conclusive functional and genetic evidence.